The following is an entry in ClinVar:

ClinVar aggregate classification (germline): Likely pathogenic (1 of 4 stars; one submission).

Conditions:
Mucopolysaccharidosis type 6 (MPS6). Also called: N-ACETYLGALACTOSAMINE-4-SULFATASE DEFICIENCY; MPS VI; MPS 6; Maroteaux Lamy syndrome; ARSB DEFICIENCY; ARYLSULFATASE B DEFICIENCY. Identifiers: Orphanet 583, MedGen C0026709, MONDO:0009661, OMIM 253200.

Submission:

Laboratory of Diagnosis and Therapy of Lysosomal Disorders, University of Padova
Classification: Likely pathogenic for Mucopolysaccharidosis type 6. Last evaluated: 2018-01-01. Review status: criteria provided, single submitter. Criteria: ACMG Guidelines, 2015. Collection method: curation. Allele origin: germline. Affected: yes.
Comment: Frameshift variant(PVS1); Absent from GnomAD (PM2)

Literature cited by the submitters: PubMed 8723688; PubMed 30118150.

NM_000046.5(ARSB):c.219del (p.Asp73fs)

Genes: ARSB (arylsulfatase B; minus strand), LOC129994126 (ATAC-STARR-seq lymphoblastoid silent region 16127; plus strand). Cytogenetic location: 5q14.1.
Variant type: Deletion.
Coding change: c.219del on transcript NM_000046.5 (MANE Select); coding-DNA position 219, one base deleted (C; older notation c.219delC).
Protein change: p.Asp73fs; shifts the reading frame from aspartic acid 73.
Molecular consequence: frameshift variant.
Genome position (GRCh38, 1-based): chr5:78,985,030, G deleted on the plus strand (C on the coding strand, the reverse complement: ARSB is on the minus strand). VCF-style (leftmost placement, unchanged base first): chr5-78985029-CG-C. GRCh37 (hg19) VCF-style: chr5-78280852-CG-C.
Other names: c.219del, p.Asp73fs (NM_198709.3); short protein forms D73fs.
Identifiers: ClinVar variation 559741 (VCV000559741.1), dbSNP rs1554032153, ClinGen allele CA658822942.
Genomic context (GRCh38, chr5:78,985,029, plus strand): 5'-ACGGCGTGCACAGCGGCTGCGTGTAGTAGTTGTCCAGGAGCACCCCGCCGGCCGCCAGCG[CG>C]TCCAGGTGCGGCGTGCGGATGCGGGAGCCGTGGAAGCCGACGTCGTTCCAGCCTAGGTCG-3'